The following is an entry in ClinVar:

NM_001374736.1(DST):c.17452C>T (p.Gln5818Ter)

Gene: DST (dystonin; minus strand). Cytogenetic location: 6p12.1.
Variant type: single nucleotide variant.
Coding change: c.17452C>T on transcript NM_001374736.1 (MANE Select); coding-DNA position 17452, C replaced by T.
Protein change: p.Gln5818Ter; replaces glutamine 5818 with a stop codon.
Molecular consequence: nonsense. On other transcripts: intron variant (2).
Genome position (GRCh38, 1-based): chr6:56,529,591, G>A on the plus strand (C>T on the coding strand, the complement: DST is on the minus strand). VCF-style: chr6-56529591-G-A. GRCh37 (hg19) VCF-style: chr6-56394389-G-A.
Other names: c.11095C>T, p.Gln3699Ter (NM_001144769.5); c.10681C>T, p.Gln3561Ter (NM_001144770.2); c.17452C>T, p.Gln5818Ter (NM_001374722.1); c.17479C>T, p.Gln5827Ter (NM_001374734.1); c.10561C>T, p.Gln3521Ter (NM_001386100.1, NM_183380.4); c.9583C>T, p.Gln3195Ter (NM_015548.5); c.10377+383C>T (NM_001374730.1); c.16635+383C>T (NM_001374729.1); short protein forms Q3561*, Q3195*, Q3521*, Q3699*, Q5827*, Q5818*.
Identifiers: ClinVar variation 2051585 (VCV002051585.4), dbSNP rs2534830850, ClinGen allele CA364508224.

ClinVar aggregate classification (germline): Pathogenic (1 of 4 stars; one submission).

Conditions:
Hereditary sensory and autonomic neuropathy type 6. Also called: Neuropathy, hereditary sensory and autonomic, type VI; HSAN VI. Identifiers: Orphanet 314381, MedGen C3539003, MONDO:0013839, OMIM 614653.
Epidermolysis bullosa simplex 3, localized or generalized intermediate, with BP230 deficiency (EBS3). Also called: Epidermolysis bullosa simplex, autosomal recessive 2; Epidermolysis bullosa simplex due to BP230 deficiency. Identifiers: Orphanet 412181, MedGen C3809470, MONDO:0014180, OMIM 615425.

Submission:

Labcorp Genetics (formerly Invitae), Labcorp
Classification: Pathogenic for Epidermolysis bullosa simplex 3, localized or generalized intermediate, with BP230 deficiency; Hereditary sensory and autonomic neuropathy type 6. Last evaluated: 2021-12-21. Review status: criteria provided, single submitter. Criteria: Invitae Variant Classification Sherloc (09022015). Collection method: clinical testing. Allele origin: germline.
Comment: Algorithms developed to predict the effect of sequence changes on RNA splicing suggest that this variant may create or strengthen a splice site. For these reasons, this variant has been classified as Pathogenic. This variant has not been reported in the literature in individuals affected with DST-related conditions. This variant is not present in population databases (gnomAD no frequency). This sequence change creates a premature translational stop signal (p.Gln3195*) in the DST gene. It is expected to result in an absent or disrupted protein product. Loss-of-function variants in DST are known to be pathogenic (PMID: 22522446, 25059916, 30371979). The DST gene has multiple clinically relevant transcripts. This variant occurs in alternate transcript NM_015548.4, and corresponds to NM_001723.5:c.*85926C>T in the primary transcript.

Literature cited by the submitters: PubMed 22522446; PubMed 25059916; PubMed 30371979.